The following is an entry in ClinVar:

NM_018136.5(ASPM):c.7437A>C (p.Glu2479Asp)

Gene: ASPM (assembly factor for spindle microtubules; minus strand). Cytogenetic location: 1q31.3.
Variant type: single nucleotide variant.
Coding change: c.7437A>C on transcript NM_018136.5 (MANE Select); coding-DNA position 7437, A replaced by C.
Protein change: p.Glu2479Asp; replaces glutamic acid 2479 with aspartic acid.
Molecular consequence: missense variant. On other transcripts: intron variant (1).
Genome position (GRCh38, 1-based): chr1:197,101,814, T>G on the plus strand (A>C on the coding strand, the complement: ASPM is on the minus strand). VCF-style: chr1-197101814-T-G. GRCh37 (hg19) VCF-style: chr1-197070944-T-G.
Other names: c.4066-5650A>C (NM_001206846.2); short protein forms E2479D.
Identifiers: ClinVar variation 1314790 (VCV001314790.2), dbSNP rs1404144902, ClinGen allele CA344018954.

ClinVar aggregate classification (germline): Uncertain significance (1 of 4 stars; one submission).

Allele frequency attached by ClinVar (database versions not stated): gnomAD exomes below 0.00001.
gnomAD v4.1: 1 of 1,612,830 alleles (0.000062%); highest among the groups gnomAD compares: Admixed American, 0.0017%; no homozygotes.

Submission:

GeneDx
Classification: Uncertain significance. Last evaluated: 2021-04-30. Review status: criteria provided, single submitter. Criteria: GeneDx Variant Classification Process June 2021. Collection method: clinical testing. Allele origin: germline. Affected: yes.
Comment: Not observed at a significant frequency in large population cohorts (Lek et al., 2016); In silico analysis supports that this missense variant does not alter protein structure/function; Has not been previously published as pathogenic or benign to our knowledge